The following is an entry in ClinVar:

NM_005068.3(SIM1):c.1932T>C (p.His644=)

Gene: SIM1 (SIM bHLH transcription factor 1; minus strand). Cytogenetic location: 6q16.3.
Variant type: single nucleotide variant.
Coding change: c.1932T>C on transcript NM_005068.3 (MANE Select); coding-DNA position 1932, T replaced by C.
Protein change: p.His644=; no amino-acid change (histidine 644 retained).
Molecular consequence: synonymous variant.
Genome position (GRCh38, 1-based): chr6:100,390,730, A>G on the plus strand (T>C on the coding strand, the complement: SIM1 is on the minus strand). VCF-style: chr6-100390730-A-G. GRCh37 (hg19) VCF-style: chr6-100838606-A-G.
Other names: c.1932T>C, p.His644= (NM_001374769.1).
Identifiers: ClinVar variation 724976 (VCV000724976.4), dbSNP rs769192530, ClinGen allele CA451586065.

ClinVar aggregate classification (germline): Likely benign. Review status: criteria provided, single submitter (1 of 4 stars). 2 submissions from 2 submitters: Likely benign (1). 1 of the submissions does not count toward it. Last evaluated 2018-02-15.

Conditions:
SIM1-related disorder. Also called: SIM1-related condition; SIM1-related disorders.

gnomAD v4.1: 1 of 1,614,078 alleles (0.000062%); highest among the groups gnomAD compares: Non-Finnish European, 0.000085%; no homozygotes.

Submissions (2):

Labcorp Genetics (formerly Invitae), Labcorp
Classification: Likely benign. Last evaluated: 2018-02-15. Review status: criteria provided, single submitter. Criteria: Invitae Variant Classification Sherloc (09022015). Collection method: clinical testing. Allele origin: germline.

PreventionGenetics, part of Exact Sciences
Classification: Likely benign for SIM1-related condition. Last evaluated: 2022-06-08. Review status: no assertion criteria provided. Collection method: clinical testing. Allele origin: germline. Not counted in ClinVar's aggregate classification.
Comment: This variant is classified as likely benign based on ACMG/AMP sequence variant interpretation guidelines (Richards et al. 2015 PMID: 25741868, with internal and published modifications).